The following is an entry in ClinVar:

NM_016507.4(CDK12):c.119C>G (p.Ser40Trp)

Genes: CDK12 (cyclin dependent kinase 12; plus strand), LOC126862553 (CDK7 strongly-dependent group 2 enhancer GRCh37_chr17:37618166-37619365; plus strand). Cytogenetic location: 17q12.
Variant type: single nucleotide variant.
Coding change: c.119C>G on transcript NM_016507.4 (MANE Select); coding-DNA position 119, C replaced by G.
Protein change: p.Ser40Trp; replaces serine 40 with tryptophan.
Molecular consequence: missense variant.
Genome position (GRCh38, 1-based): chr17:39,462,190, C>G. VCF-style: chr17-39462190-C-G. GRCh37 (hg19) VCF-style: chr17-37618443-C-G.
Other names: c.119C>G, p.Ser40Trp (NM_015083.4); short protein forms S40W.
Identifiers: ClinVar variation 3830495 (VCV003830495.1).

ClinVar aggregate classification (germline): Uncertain significance (1 of 4 stars; one submission).

gnomAD v4.1: 16 of 1,614,056 alleles (0.00099%); highest among the groups gnomAD compares: South Asian, 0.0099%; no homozygotes.

Submission:

Ambry Genetics
Classification: Uncertain significance. Last evaluated: 2025-01-13. Review status: criteria provided, single submitter. Criteria: Ambry Variant Classification Scheme 2023. Collection method: clinical testing. Allele origin: germline.
Comment: The p.S40W variant (also known as c.119C>G), located in coding exon 1 of the CDK12 gene, results from a C to G substitution at nucleotide position 119. The serine at codon 40 is replaced by tryptophan, an amino acid with highly dissimilar properties. This amino acid position is conserved. In addition, the in silico prediction for this alteration is inconclusive. Based on the available evidence, the clinical significance of this variant remains unclear.